The following is an entry in ClinVar:

ClinVar aggregate classification (germline): Pathogenic. Review status: reviewed by expert panel (3 of 4 stars). 4 submissions from 4 submitters: Pathogenic (1). 3 of the submissions do not count toward it. Last evaluated 2017-12-15.

Conditions:
Hereditary breast ovarian cancer syndrome. Also called: Hereditary breast and ovarian cancer syndrome; Hereditary breast and ovarian cancer; Hereditary breast and ovarian cancer syndrome (HBOC); Breast and ovarian cancer; Hereditary breast and/or ovarian cancer syndrome; BRCA1- and BRCA2-Associated Hereditary Breast and Ovarian Cancer. Identifiers: Orphanet 145, MedGen C0677776, MeSH D061325, MONDO:0003582. Disease mechanism: loss of function.
Hereditary cancer-predisposing syndrome. Also called: Neoplastic Syndromes, Hereditary; Tumor predisposition; Hereditary neoplastic syndrome; Hereditary Cancer Syndrome. Identifiers: Orphanet 140162, MedGen C0027672, MeSH D009386, MONDO:0015356.
Breast-ovarian cancer, familial, susceptibility to, 2 (BROVCA2). Also called: BRCA2 Hereditary Breast and Ovarian Cancer. Identifiers: Orphanet 145, MedGen C2675520, MONDO:0012933, OMIM 612555. Disease mechanism: loss of function.

Submissions (4):

Evidence-based Network for the Interpretation of Germline Mutant Alleles (ENIGMA)
Classification: Pathogenic for Breast-ovarian cancer, familial, susceptibility to, 2. Last evaluated: 2017-12-15. Review status: reviewed by expert panel. Criteria: ENIGMA BRCA1/2 Classification Criteria (2017-06-29). Collection method: curation. Allele origin: germline. Study: ENIGMA.
Comment: Variant allele predicted to encode a truncated non-functional protein.

Ambry Genetics
Classification: Pathogenic for Hereditary cancer-predisposing syndrome. Last evaluated: 2015-02-24. Review status: criteria provided, single submitter. Criteria: Ambry Variant Classification Scheme 2023. Collection method: clinical testing. Allele origin: germline. Not counted in ClinVar's aggregate classification.
Comment: The c.4731_4736delATTAGCinsG pathogenic mutation, located in coding exon 10 of the BRCA2 gene, results from the deletion of 6 nucleotides and the insertion of one nucleotide at positions 4731 to 4736 and causes a translational frameshift with a predicted alternate stop codon. Since frameshifts are typically deleterious in nature, this alteration is interpreted as a disease-causing mutation (ACMG Recommendations for Standards for Interpretation and Reporting of Sequence Variations. Revision 2007. Genet Med. 2008;10:294).

Research Molecular Genetics Laboratory, Women's College Hospital, University of Toronto
Classification: Pathogenic for Hereditary breast ovarian cancer syndrome. Last evaluated: 2014-01-31. Review status: no assertion criteria provided. Collection method: research. Allele origin: germline. Affected: yes. Study: The Canadian Open Genetics Repository (COGR). Not counted in ClinVar's aggregate classification.

Breast Cancer Information Core (BIC) (BRCA2)
Classification: Pathogenic for Breast-ovarian cancer, familial 2. Last evaluated: 1999-06-21. Review status: no assertion criteria provided. Collection method: clinical testing. Allele origin: germline. Affected: yes. Observed: 1 variant allele. Not counted in ClinVar's aggregate classification.

NM_000059.4(BRCA2):c.4731_4736delinsG (p.Leu1578fs)

Gene: BRCA2 (BRCA2 DNA repair associated; plus strand). Cytogenetic location: 13q13.1.
Variant type: Indel.
Coding change: c.4731_4736delinsG on transcript NM_000059.4 (MANE Select); coding-DNA positions 4731 to 4736, ATTAGC replaced by G.
Protein change: p.Leu1578fs; shifts the reading frame from leucine 1578.
Molecular consequence: frameshift variant.
Genome position (GRCh38, 1-based): chr13:32,339,086-32,339,091, ATTAGC replaced by G. VCF-style: chr13-32339086-ATTAGC-G. GRCh37 (hg19) VCF-style: chr13-32913223-ATTAGC-G.
Other names: 4959del6insG; c.4731_4736delATTAGCinsG (NM_000059.3); short protein forms L1578fs.
Identifiers: ClinVar variation 51704 (VCV000051704.5), dbSNP rs276174846, ClinGen allele CA020725.